The following is an entry in ClinVar:

NM_000218.3(KCNQ1):c.1417G>C (p.Glu473Gln)

Genes: KCNQ1 (potassium voltage-gated channel subfamily Q member 1; plus strand), KCNQ1OT1 (KCNQ1 opposite strand/antisense transcript 1; minus strand). Cytogenetic location: 11p15.5.
Variant type: single nucleotide variant.
Coding change: c.1417G>C on transcript NM_000218.3 (MANE Select); coding-DNA position 1417, G replaced by C.
Protein change: p.Glu473Gln; replaces glutamic acid 473 with glutamine.
Molecular consequence: missense variant. On other transcripts: non-coding transcript variant (1).
Genome position (GRCh38, 1-based): chr11:2,661,984, G>C. VCF-style: chr11-2661984-G-C. GRCh37 (hg19) VCF-style: chr11-2683214-G-C.
Other names: c.1321G>C, p.Glu441Gln (NM_001406836.1); c.1147G>C, p.Glu383Gln (NM_001406837.1); c.877G>C, p.Glu293Gln (NM_001406838.1); c.1036G>C, p.Glu346Gln (NM_181798.2); short protein forms E346Q, E383Q, E441Q, E293Q, E473Q.
Identifiers: ClinVar variation 3686381 (VCV003686381.2).
Genomic context (GRCh38, chr11:2,661,984, plus strand): 5'-GGAGGCCTAACGTGCTGTCCCCACACTTTCTCCTCAGTAAGGAAGAGCCCAACACTGCTG[G>C]AAGTGAGCATGCCCCATTTCATGAGAACCAACAGCTTCGCCGAGGACCTGGACCTGGAAG-3'
Protein context (NP_000209.2, residues 463-483): SSVRKSPTLL[Glu473Gln]VSMPHFMRTN

ClinVar aggregate classification (germline): Uncertain significance (1 of 4 stars; one submission).

Conditions:
Long QT syndrome (LQTS). Identifiers: MedGen C0023976, MeSH D008133, MONDO:0002442. Disease mechanism: loss of function. Inheritance: Various modes of inheritance.

gnomAD v4.1: 1 of 1,614,196 alleles (0.000062%); highest among the groups gnomAD compares: South Asian, 0.0011%; no homozygotes.

Submission:

Labcorp Genetics (formerly Invitae), Labcorp
Classification: Uncertain significance for Long QT syndrome. Last evaluated: 2025-12-13. Review status: criteria provided, single submitter. Criteria: Invitae Variant Classification Sherloc (09022015). Collection method: clinical testing. Allele origin: germline.
Comment: This sequence change replaces glutamic acid, which is acidic and polar, with glutamine, which is neutral and polar, at codon 473 of the KCNQ1 protein (p.Glu473Gln). This variant is present in population databases (rs751430087, gnomAD 0.003%). This variant has not been reported in the literature in individuals affected with KCNQ1-related conditions. ClinVar contains an entry for this variant (Variation ID: 3686381). Invitae Evidence Modeling of protein sequence and biophysical properties (such as structural, functional, and spatial information, amino acid conservation, physicochemical variation, residue mobility, and thermodynamic stability) indicates that this missense variant is not expected to disrupt KCNQ1 protein function with a negative predictive value of 95%. In summary, the available evidence is currently insufficient to determine the role of this variant in disease. Therefore, it has been classified as a Variant of Uncertain Significance.